The following is an entry in ClinVar:

GRCh38/hg38 11p14.2(chr11:26418688-26932544)x3

Genes: ANO3 (anoctamin 3; plus strand), MUC15 (mucin 15, cell surface associated; minus strand), SLC5A12 (solute carrier family 5 member 12; minus strand), LOC126861169 (BRD4-independent group 4 enhancer GRCh37_chr11:26707661-26708860; plus strand), LOC130005451 (ATAC-STARR-seq lymphoblastoid active region 4541; plus strand) and 1 more. Cytogenetic location: 11p14.2.
Variant type: copy number gain.
Change: copy number 3 (three copies instead of two) of chr11:26,418,688-26,932,544 (513.9 kb, GRCh38 coordinates, 1-based), cytogenetic band 11p14.2.
Identifiers: ClinVar variation 4796034 (VCV004796034.1).

ClinVar aggregate classification (germline): Uncertain significance (1 of 4 stars; one submission).

Submission:

Medical Genetic Center, Changzhi Maternal and Child Health Care Hospital
Classification: Uncertain significance. Last evaluated: 2025-12-10. Review status: criteria provided, single submitter. Criteria: ACMG/ClinGen CNV Guidelines, 2019. Collection method: clinical testing. Allele origin: unknown.
Comment: 1A, ANO3 partial duplication (NM_031418.4, exon 2-27)